The following is an entry in ClinVar:

ClinVar aggregate classification (germline): Likely benign. Review status: criteria provided, single submitter (1 of 4 stars). 2 submissions from 2 submitters: Likely benign (1). 1 of the submissions does not count toward it. Last evaluated 2025-06-26.

Conditions:
Inborn genetic diseases. Identifiers: MedGen C0950123, MeSH D030342.
Kaya-Barakat-Masson syndrome. Also called: YIF1B-Related Neurodevelopmental Disorder. Identifiers: Orphanet 684240, MedGen C5436856, MONDO:0030878, OMIM 619125.

gnomAD v4.1: 273 of 1,596,830 alleles (0.017%); highest among the groups gnomAD compares: South Asian, 0.23%; 1 homozygote.

Submissions (2):

Ambry Genetics
Classification: Likely benign for Inborn genetic diseases. Last evaluated: 2025-06-26. Review status: criteria provided, single submitter. Criteria: Ambry Variant Classification Scheme 2023. Collection method: clinical testing. Allele origin: germline.

Hong-Tao Li Lab, Institute of Brain Science and Brain-inspired Research, Shandong First Medical University & Shandong Academy of Medical Sciences China
Classification: Uncertain significance for Kaya-Barakat-Masson syndrome. Review status: no assertion criteria provided. Collection method: research. Allele origin: germline. Inheritance: Autosomal recessive inheritance. Affected: yes. Observed: 1 variant allele, 1 homozygote. Not counted in ClinVar's aggregate classification.
Comment: Observed in affected individuals from a Pakistani neurodevelopmental-disorder research cohort of 263 individuals. Classification assigned using the ACMG/AMP framework. Population-frequency evidence: gnomAD AF 0.0003421.

NM_001039672.3(YIF1B):c.59C>T (p.Pro20Leu)

Gene: YIF1B (Yip1 interacting factor homolog B, membrane trafficking protein; minus strand). Cytogenetic location: 19q13.2.
Variant type: single nucleotide variant.
Coding change: c.59C>T on transcript NM_001039672.3 (MANE Select); coding-DNA position 59, C replaced by T.
Protein change: p.Pro20Leu; replaces proline 20 with leucine.
Molecular consequence: missense variant. On other transcripts: 5 prime UTR variant (1).
Genome position (GRCh38, 1-based): chr19:38,309,643, G>A on the plus strand (C>T on the coding strand, the complement: YIF1B is on the minus strand). VCF-style: chr19-38309643-G-A. GRCh37 (hg19) VCF-style: chr19-38800283-G-A.
Other names: c.14C>T, p.Ala5Val (NM_001039671.3); c.50C>T, p.Pro17Leu (NM_001039673.3, NM_001145463.2); c.8C>T, p.Ala3Val (NM_001145461.2); c.-35C>T (NM_001145462.2); short protein forms P17L, A5V, A3V, P20L.
Identifiers: ClinVar variation 4203136 (VCV004203136.2).